The following is an entry in ClinVar:

NM_206933.4(USH2A):c.8320G>A (p.Ala2774Thr)

Gene: USH2A (usherin; minus strand). Cytogenetic location: 1q41.
Variant type: single nucleotide variant.
Coding change: c.8320G>A on transcript NM_206933.4 (MANE Select); coding-DNA position 8320, G replaced by A.
Protein change: p.Ala2774Thr; replaces alanine 2774 with threonine.
Molecular consequence: missense variant.
Genome position (GRCh38, 1-based): chr1:215,879,002, C>T on the plus strand (G>A on the coding strand, the complement: USH2A is on the minus strand). VCF-style: chr1-215879002-C-T. GRCh37 (hg19) VCF-style: chr1-216052344-C-T.
Other names: NM_206933.2(USH2A):c.8320G>A; short protein forms A2774T.
Identifiers: ClinVar variation 48597 (VCV000048597.56), dbSNP rs111033533, ClinGen allele CA143621.

ClinVar aggregate classification (germline): Likely benign. Review status: reviewed by expert panel (3 of 4 stars). 12 submissions from 12 submitters: Likely benign (1). 11 of the submissions do not count toward it. Last evaluated 2025-03-12.

Conditions:
Usher syndrome. Also called: Usher Syndromes; Usher's syndrome. Identifiers: Orphanet 886, MedGen CN469326, MeSH D052245, MONDO:0019501. Disease mechanism: loss of function.
USH2A-related disorder. Also called: USH2A-related disorders; USH2A-related condition. Identifiers: MedGen CN239332.
Retinal dystrophy. Also called: Inherited retinal dystrophy. Identifiers: Orphanet 71862, MedGen C0854723, MeSH D058499, MONDO:0019118, HP:0000556.
Retinitis pigmentosa 39 (RP39). Identifiers: Orphanet 791, MedGen C3151138, MONDO:0013436, OMIM 613809.
Usher syndrome type 2A. Also called: USHER SYNDROME, TYPE IIA; RETINAL DISEASE IN USHER SYNDROME TYPE IIA, MODIFIER OF. Identifiers: Orphanet 231178, Orphanet 886, MedGen C1848634, MONDO:0010169, OMIM 276901.

Allele frequency attached by ClinVar (database versions not stated): ESP Exome Variant Server 0.00031; TOPMed 0.00050; ExAC 0.00054; gnomAD 0.00054 and 0.00058; 1000 Genomes Project 0.00060; 1000 Genomes Project 30x 0.00062.
gnomAD v4.1: 1,136 of 1,613,972 alleles (0.07%); highest among the groups gnomAD compares: Non-Finnish European, 0.079%; 2 homozygotes.

Submissions (12):

ClinGen Hearing Loss Variant Curation Expert Panel
Classification: Likely benign for Usher syndrome. Last evaluated: 2025-03-12. Review status: reviewed by expert panel. Criteria: Clingen Hl Acmg Specifications Cdh23 Coch Gjb2 Kcnq4 Myo6 Myo7a Slc26a4 Tecta Ush2a V2. Collection method: curation. Allele origin: germline. Inheritance: Autosomal recessive inheritance.
Comment: The filtering allele frequency of the p.Ala2774Thr variant in the USH2A gene is 0.07463% (931/1179918) of European (non-Finnish) chromosomes in gnomAD v4 (BS1_Supporting). The computational prediction analysis tool REVEL predicted a score of 0.052, which meets the threshold to apply BP4. In summary, this variant meets the criteria to be classified as likely benign based on the ACMG/AMP criteria applied, as specified by the ClinGen Hearing Loss VCEP: BS1_Supporting, BP4. (ClinGen Hearing Loss VCEP specifications version 2; 03/12/2025).

Labcorp Genetics (formerly Invitae), Labcorp
Classification: Likely benign. Last evaluated: 2026-01-25. Review status: criteria provided, single submitter. Criteria: Invitae Variant Classification Sherloc (09022015). Collection method: clinical testing. Allele origin: germline. Not counted in ClinVar's aggregate classification.

CeGaT Center for Human Genetics Tuebingen
Classification: Likely benign. Last evaluated: 2025-10-01. Review status: criteria provided, single submitter. Criteria: CeGaT Center For Human Genetics Tuebingen Variant Classification Criteria Version 2. Collection method: clinical testing. Allele origin: germline. Affected: yes. Observed: 3 variant alleles. Not counted in ClinVar's aggregate classification.
Comment: USH2A: BP4, BS2

PreventionGenetics, part of Exact Sciences
Classification: Likely benign for USH2A-related condition. Last evaluated: 2025-01-30. Review status: criteria provided, single submitter. Criteria: ACMG Guidelines, 2015. Collection method: clinical testing. Allele origin: germline. Not counted in ClinVar's aggregate classification.
Comment: This variant is classified as likely benign based on ACMG/AMP sequence variant interpretation guidelines (Richards et al. 2015 PMID: 25741868, with internal and published modifications).

Blueprint Genetics
Classification: Likely benign. Last evaluated: 2024-11-23. Review status: criteria provided, single submitter. Criteria: ACMG Guidelines, 2015. Collection method: clinical testing. Allele origin: germline. Not counted in ClinVar's aggregate classification.

Fulgent Genetics
Classification: Likely benign for Usher syndrome type 2A; Retinitis pigmentosa 39. Last evaluated: 2022-05-11. Review status: criteria provided, single submitter. Criteria: ACMG Guidelines, 2015. Collection method: clinical testing. Allele origin: unknown. Not counted in ClinVar's aggregate classification.

Myriad Genetics, Inc.
Classification: Uncertain significance for Usher syndrome type 2A. Last evaluated: 2021-11-19. Review status: criteria provided, single submitter. Criteria: Myriad Women's Health Autosomal Recessive and X-Linked Classification Criteria (2021). Collection method: clinical testing. Allele origin: unknown. Not counted in ClinVar's aggregate classification.
Comment: NM_206933.2(USH2A):c.8320G>A(A2774T) is a missense variant classified as a variant of uncertain significance. A2774T has been observed in cases of USH2A-related disorders (PMID: 25133751, 28041643). Functional studies on this variant are not available. A2774T has been observed in population frequency databases (gnomAD: EUR 0.14%). In summary, there is insufficient evidence to classify NM_206933.2(USH2A):c.8320G>A(A2774T) as pathogenic or benign. Please note: this variant was assessed in the context of healthy population screening.

Genome-Nilou Lab
Classification: Likely benign for Usher syndrome type 2A. Last evaluated: 2021-05-18. Review status: criteria provided, single submitter. Criteria: ACMG Guidelines, 2015. Collection method: clinical testing. Allele origin: germline. Affected: no. Not counted in ClinVar's aggregate classification.

GeneDx
Classification: Benign. Last evaluated: 2015-03-03. Review status: criteria provided, single submitter. Criteria: GeneDx Variant Classification Process June 2021. Collection method: clinical testing. Allele origin: germline. Affected: yes. Not counted in ClinVar's aggregate classification.
Comment: This variant is associated with the following publications: (PMID: 32707200, 28041643)

Laboratory for Molecular Medicine, Mass General Brigham Personalized Medicine
Classification: Likely benign. Last evaluated: 2010-02-17. Review status: criteria provided, single submitter. Criteria: LMM Criteria. Collection method: clinical testing. Allele origin: germline. Observed: 1 variant allele. Not counted in ClinVar's aggregate classification.

Natera, Inc.
Classification: Likely benign for Usher syndrome type 2A. Last evaluated: 2020-05-03. Review status: no assertion criteria provided. Collection method: clinical testing. Allele origin: germline. Not counted in ClinVar's aggregate classification.

NIHR Bioresource Rare Diseases, University of Cambridge
Classification: Uncertain significance for Retinal dystrophy. Last evaluated: 2015-01-01. Review status: no assertion criteria provided. Collection method: research. Allele origin: unknown. Affected: yes. Observed: 1 variant allele. Not counted in ClinVar's aggregate classification.

Literature cited by the submitters: PubMed 28041643 (cited by Myriad Genetics, Inc. and NIHR Bioresource Rare Diseases, University of Cambridge); PubMed 25133751 (cited by Myriad Genetics, Inc.).